The following is an entry in ClinVar:

ClinVar aggregate classification (germline): Benign. Review status: criteria provided, multiple submitters, no conflicts (2 of 4 stars). 5 submissions from 5 submitters: Benign (4). 1 of the submissions does not count toward it. Last evaluated 2026-02-04.

Conditions:
Glycogen storage disease due to muscle beta-enolase deficiency (GSD13). Also called: ENOLASE 3 DEFICIENCY; ENOLASE-BETA DEFICIENCY; GSD XIII; Glycogen Storage Disease Type XIII. Identifiers: Orphanet 99849, MedGen C2752027, MONDO:0013046, OMIM 612932.

Allele frequency attached by ClinVar (database versions not stated): gnomAD exomes 0.00694; ExAC 0.00839; gnomAD 0.02549 and 0.02756; TOPMed 0.02703; ESP Exome Variant Server 0.02814; 1000 Genomes Project 0.02835; 1000 Genomes Project 30x 0.03107.
gnomAD v4.1: 7,805 of 1,614,198 alleles (0.48%); highest among the groups gnomAD compares: African/African-American, 8.6%; 275 homozygotes.

Submissions (5):

Labcorp Genetics (formerly Invitae), Labcorp
Classification: Benign for Glycogen storage disease due to muscle beta-enolase deficiency. Last evaluated: 2026-02-04. Review status: criteria provided, single submitter. Criteria: Invitae Variant Classification Sherloc (09022015). Collection method: clinical testing. Allele origin: germline.

ARUP Laboratories, Molecular Genetics and Genomics, ARUP Laboratories
Classification: Benign for Glycogen storage disease due to muscle beta-enolase deficiency. Last evaluated: 2023-11-06. Review status: criteria provided, single submitter. Criteria: ARUP Molecular Germline Variant Investigation Process 2024. Collection method: clinical testing. Allele origin: germline.

GeneDx
Classification: Benign. Last evaluated: 2016-02-17. Review status: criteria provided, single submitter. Criteria: GeneDx Variant Classification (06012015). Collection method: clinical testing. Allele origin: germline. Affected: yes.
Comment: This variant is considered likely benign or benign based on one or more of the following criteria: it is a conservative change, it occurs at a poorly conserved position in the protein, it is predicted to be benign by multiple in silico algorithms, and/or has population frequency not consistent with disease.

Breakthrough Genomics
Classification: Benign. Review status: criteria provided, single submitter. Criteria: ACMG Guidelines, 2015. Collection method: not provided. Allele origin: germline. Inheritance: Autosomal recessive inheritance. Affected: yes.

Mayo Clinic Laboratories, Mayo Clinic
Classification: Benign. Last evaluated: 2016-02-03. Review status: no assertion criteria provided. Collection method: clinical testing. Allele origin: unknown. Not counted in ClinVar's aggregate classification.

NM_053013.4(ENO3):c.1236-17C>T

Gene: ENO3 (enolase 3; plus strand). Cytogenetic location: 17p13.2.
Variant type: single nucleotide variant.
Coding change: c.1236-17C>T on transcript NM_053013.4 (MANE Select); 17 bases into the intron before coding-DNA position 1236, C replaced by T.
Molecular consequence: intron variant.
Genome position (GRCh38, 1-based): chr17:4,956,961, C>T. VCF-style: chr17-4956961-C-T. GRCh37 (hg19) VCF-style: chr17-4860256-C-T.
Other names: c.1236-17C>T (NM_001976.5); c.1107-17C>T (NM_001193503.2).
Identifiers: ClinVar variation 381415 (VCV000381415.22), dbSNP rs77614413, ClinGen allele CA8316621.